The following is an entry in ClinVar:

ClinVar aggregate classification (germline): Uncertain significance (1 of 4 stars; one submission).

Conditions:
Emery-Dreifuss muscular dystrophy 5, autosomal dominant (EDMD5). Also called: EMERY-DREIFUSS MUSCULAR DYSTROPHY 5. Identifiers: Orphanet 261, MedGen C2751805, MONDO:0013072, OMIM 612999.

gnomAD v4.1: 7 of 1,614,020 alleles (0.00043%); highest among the groups gnomAD compares: African/African-American, 0.0053%; no homozygotes.

Submission:

Labcorp Genetics (formerly Invitae), Labcorp
Classification: Uncertain significance for Emery-Dreifuss muscular dystrophy 5, autosomal dominant. Last evaluated: 2025-10-25. Review status: criteria provided, single submitter. Criteria: Invitae Variant Classification Sherloc (09022015). Collection method: clinical testing. Allele origin: germline.
Comment: This sequence change replaces alanine, which is neutral and non-polar, with serine, which is neutral and polar, at codon 6064 of the SYNE2 protein (p.Ala6064Ser). This variant is present in population databases (rs182079744, gnomAD 0.008%). This variant has not been reported in the literature in individuals affected with SYNE2-related conditions. ClinVar contains an entry for this variant (Variation ID: 1346106). An algorithm developed to predict the effect of missense changes on protein structure and function (PolyPhen-2) suggests that this variant is likely to be disruptive. In summary, the available evidence is currently insufficient to determine the role of this variant in disease. Therefore, it has been classified as a Variant of Uncertain Significance.

NM_182914.3(SYNE2):c.18190G>T (p.Ala6064Ser)

Gene: SYNE2 (spectrin repeat containing nuclear envelope protein 2; plus strand). Cytogenetic location: 14q23.2.
Variant type: single nucleotide variant.
Coding change: c.18190G>T on transcript NM_182914.3 (MANE Select); coding-DNA position 18190, G replaced by T.
Protein change: p.Ala6064Ser; replaces alanine 6064 with serine.
Molecular consequence: missense variant.
Genome position (GRCh38, 1-based): chr14:64,202,952, G>T. VCF-style: chr14-64202952-G-T. GRCh37 (hg19) VCF-style: chr14-64669670-G-T.
Other names: c.18190G>T, p.Ala6064Ser (NM_015180.6); short protein forms A6064S.
Identifiers: ClinVar variation 1346106 (VCV001346106.8), dbSNP rs182079744, ClinGen allele CA7223962.